The following is an entry in ClinVar:

ClinVar aggregate classification (germline): Uncertain significance (1 of 4 stars; one submission).

Submission:

GeneDx
Classification: Uncertain significance. Last evaluated: 2024-04-14. Review status: criteria provided, single submitter. Criteria: GeneDx Variant Classification Process June 2021. Collection method: clinical testing. Allele origin: germline. Affected: yes.
Comment: Not observed at significant frequency in large population cohorts (gnomAD); In silico analysis supports that this missense variant has a deleterious effect on protein structure/function; Has not been previously published as pathogenic or benign to our knowledge

NM_001378452.1(ITPR1):c.7780T>A (p.Phe2594Ile)

Genes: ITPR1 (inositol 1,4,5-trisphosphate receptor type 1; plus strand), LOC126806590 (MED14-independent group 3 enhancer GRCh37_chr3:4855759-4856958; plus strand). Cytogenetic location: 3p26.1.
Variant type: single nucleotide variant.
Coding change: c.7780T>A on transcript NM_001378452.1 (MANE Select); coding-DNA position 7780, T replaced by A.
Protein change: p.Phe2594Ile; replaces phenylalanine 2594 with isoleucine.
Molecular consequence: missense variant.
Genome position (GRCh38, 1-based): chr3:4,815,131, T>A. VCF-style: chr3-4815131-T-A. GRCh37 (hg19) VCF-style: chr3-4856815-T-A.
Other names: c.7636T>A, p.Phe2546Ile (NM_001099952.4); c.7735T>A, p.Phe2579Ile (NM_001168272.2); c.7591T>A, p.Phe2531Ile (NM_002222.7); short protein forms F2531I, F2546I, F2579I, F2594I.
Identifiers: ClinVar variation 3371899 (VCV003371899.1).